The following is an entry in ClinVar:

ClinVar aggregate classification (germline): Conflicting classifications of pathogenicity. Review status: criteria provided, conflicting classifications (1 of 4 stars). 3 submissions from 3 submitters: Pathogenic (1); Uncertain significance (2). Last evaluated 2025-12-20.

Conditions:
Neuropathy, hereditary sensory and autonomic, type 2A (HSAN2A). Also called: MORVAN DISEASE; NEUROPATHY, CONGENITAL SENSORY; NEUROPATHY, HEREDITARY SENSORY RADICULAR, AUTOSOMAL RECESSIVE; NEUROPATHY, HEREDITARY SENSORY, TYPE IIA; NEUROPATHY, PROGRESSIVE SENSORY, OF CHILDREN; WNK1-Related HSAN2 (HSAN2A). Identifiers: Orphanet 970, MedGen C2752089, MONDO:0024309, OMIM 201300.
Generalized epilepsy with febrile seizures plus, type 7 (GEFSP7). Also called: GEFS+, TYPE 7. Identifiers: Orphanet 36387, MedGen C2751778, MONDO:0013470, OMIM 613863.
Pain insensitivity. Identifiers: MedGen C0344307, HP:0007021.

Allele frequency attached by ClinVar (database versions not stated): gnomAD exomes below 0.00001; TOPMed below 0.00001; gnomAD 0.00001.
gnomAD v4.1: 5 of 1,476,702 alleles (0.00034%); highest among the groups gnomAD compares: Non-Finnish European, 0.00038%; no homozygotes.

Submissions (3):

Labcorp Genetics (formerly Invitae), Labcorp
Classification: Uncertain significance for Neuropathy, hereditary sensory and autonomic, type 2A; Generalized epilepsy with febrile seizures plus, type 7. Last evaluated: 2025-12-20. Review status: criteria provided, single submitter. Criteria: Invitae Variant Classification Sherloc (09022015). Collection method: clinical testing. Allele origin: germline.
Comment: This sequence change falls in intron 3 of the SCN9A gene. It does not directly change the encoded amino acid sequence of the SCN9A protein. It affects a nucleotide within the consensus splice site. This variant is present in population databases (rs200972952, gnomAD 0.002%). This variant has been observed in individual(s) with insensitivity to pain (PMID: 28914264, 30795902). ClinVar contains an entry for this variant (Variation ID: 374103). Variants that disrupt the consensus splice site are a relatively common cause of aberrant splicing (PMID: 17576681, 9536098). Algorithms developed to predict the effect of sequence changes on RNA splicing suggest that this variant may disrupt the consensus splice site. In summary, the available evidence is currently insufficient to determine the role of this variant in disease. Therefore, it has been classified as a Variant of Uncertain Significance.

CeGaT Center for Human Genetics Tuebingen
Classification: Uncertain significance. Last evaluated: 2016-05-01. Review status: criteria provided, single submitter. Criteria: CeGaT Center For Human Genetics Tuebingen Variant Classification Criteria Version 2. Collection method: clinical testing. Allele origin: germline. Affected: yes. Observed: 1 variant allele.

Centre for Mendelian Genomics, University Medical Centre Ljubljana
Classification: Pathogenic for Pain insensitivity. Last evaluated: 2015-04-21. Review status: criteria provided, single submitter. Criteria: ACMG Guidelines, 2015. Collection method: clinical testing. Allele origin: unknown. Affected: yes.

Literature cited by the submitters: PubMed 28914264 (cited by Labcorp Genetics (formerly Invitae), Labcorp); PubMed 30795902 (cited by Labcorp Genetics (formerly Invitae), Labcorp); PubMed 17576681 (cited by Labcorp Genetics (formerly Invitae), Labcorp); PubMed 9536098 (cited by Labcorp Genetics (formerly Invitae), Labcorp).

NM_001365536.1(SCN9A):c.377+5C>T

Gene: SCN9A (sodium voltage-gated channel alpha subunit 9; minus strand). Cytogenetic location: 2q24.3.
Variant type: single nucleotide variant.
Coding change: c.377+5C>T on transcript NM_001365536.1 (MANE Select); 5 bases into the intron after coding-DNA position 377, C replaced by T.
Molecular consequence: intron variant.
Genome position (GRCh38, 1-based): chr2:166,306,951, G>A on the plus strand (C>T on the coding strand, the complement: SCN9A is on the minus strand). VCF-style: chr2-166306951-G-A. GRCh37 (hg19) VCF-style: chr2-167163461-G-A.
Other names: c.377+5C>T (NM_002977.4).
Identifiers: ClinVar variation 374103 (VCV000374103.50), dbSNP rs200972952, ClinGen allele CA16043379.